The following is an entry in ClinVar:

ClinVar aggregate classification (germline): Uncertain significance (1 of 4 stars; one submission).

Submission:

GeneDx
Classification: Uncertain significance. Last evaluated: 2022-10-25. Review status: criteria provided, single submitter. Criteria: GeneDx Variant Classification Process June 2021. Collection method: clinical testing. Allele origin: germline. Affected: yes.
Comment: Not observed at significant frequency in large population cohorts (gnomAD); In silico analysis supports that this missense variant does not alter protein structure/function; Has not been previously published as pathogenic or benign to our knowledge

NM_001385012.1(NBEA):c.4699G>A (p.Val1567Ile)

Gene: NBEA (neurobeachin; plus strand). Cytogenetic location: 13q13.3.
Variant type: single nucleotide variant.
Coding change: c.4699G>A on transcript NM_001385012.1 (MANE Select); coding-DNA position 4699, G replaced by A.
Protein change: p.Val1567Ile; replaces valine 1567 with isoleucine.
Molecular consequence: missense variant.
Genome position (GRCh38, 1-based): chr13:35,182,396, G>A. VCF-style: chr13-35182396-G-A. GRCh37 (hg19) VCF-style: chr13-35756533-G-A.
Other names: c.4699G>A, p.Val1567Ile (NM_015678.5); c.4690G>A, p.Val1564Ile (NM_001379245.1); short protein forms V1564I, V1567I.
Identifiers: ClinVar variation 2500635 (VCV002500635.1), dbSNP rs2503987878, ClinGen allele CA387832822.